The following is an entry in ClinVar:

ClinVar aggregate classification (germline): Uncertain significance. Review status: criteria provided, multiple submitters, no conflicts (2 of 4 stars). 2 submissions from 2 submitters: Uncertain significance (2). Last evaluated 2025-01-24.

Conditions:
Hereditary cancer-predisposing syndrome. Also called: Hereditary Cancer Syndrome; Tumor predisposition; Hereditary neoplastic syndrome; Neoplastic Syndromes, Hereditary. Identifiers: Orphanet 140162, MedGen C0027672, MeSH D009386, MONDO:0015356.

Submissions (2):

Ambry Genetics
Classification: Uncertain significance for Hereditary cancer-predisposing syndrome. Last evaluated: 2025-01-24. Review status: criteria provided, single submitter. Criteria: Ambry Variant Classification Scheme 2023. Collection method: clinical testing. Allele origin: germline.
Comment: The p.Y1395S variant (also known as c.4184A>C), located in coding exon 33 of the POLE gene, results from an A to C substitution at nucleotide position 4184. The tyrosine at codon 1395 is replaced by serine, an amino acid with dissimilar properties. This amino acid position is not well conserved in available vertebrate species. In addition, this alteration is predicted to be tolerated by in silico analysis. Based on the available evidence, the clinical significance of this variant remains unclear.

Labcorp Genetics (formerly Invitae), Labcorp
Classification: Uncertain significance. Last evaluated: 2020-08-26. Review status: criteria provided, single submitter. Criteria: Invitae Variant Classification Sherloc (09022015). Collection method: clinical testing. Allele origin: germline.
Comment: Algorithms developed to predict the effect of missense changes on protein structure and function (SIFT, PolyPhen-2, Align-GVGD) all suggest that this variant is likely to be tolerated, but these predictions have not been confirmed by published functional studies and their clinical significance is uncertain. In summary, the available evidence is currently insufficient to determine the role of this variant in disease. Therefore, it has been classified as a Variant of Uncertain Significance. This variant has not been reported in the literature in individuals with POLE-related conditions. This variant is not present in population databases (ExAC no frequency). This sequence change replaces tyrosine with serine at codon 1395 of the POLE protein (p.Tyr1395Ser). The tyrosine residue is moderately conserved and there is a large physicochemical difference between tyrosine and serine.

NM_006231.4(POLE):c.4184A>C (p.Tyr1395Ser)

Gene: POLE (DNA polymerase epsilon, catalytic subunit; minus strand). Cytogenetic location: 12q24.33.
Variant type: single nucleotide variant.
Coding change: c.4184A>C on transcript NM_006231.4 (MANE Select); coding-DNA position 4184, A replaced by C.
Protein change: p.Tyr1395Ser; replaces tyrosine 1395 with serine.
Molecular consequence: missense variant.
Genome position (GRCh38, 1-based): chr12:132,643,943, T>G on the plus strand (A>C on the coding strand, the complement: POLE is on the minus strand). VCF-style: chr12-132643943-T-G. GRCh37 (hg19) VCF-style: chr12-133220529-T-G.
Other names: short protein forms Y1395S.
Identifiers: ClinVar variation 1042518 (VCV001042518.12), dbSNP rs5744933, ClinGen allele CA387382387.
Genomic context (GRCh38, chr12:132,643,943, plus strand): 5'-TTGATCTCGTTGATGTGTTCCTGGTACATGTCCTCTGGCACTGAATACTCATAGAGATTG[T>G]AGACCATGTTGGAGCGAGGAAGGACCCGATTTACCTGGCGAGAATACGACGATGATCTCG-3'
Protein context (NP_006222.2, residues 1385-1405): NRVLPRSNMV[Tyr1395Ser]NLYEYSVPED